The following is an entry in ClinVar:

NM_006035.4(CDC42BPB):c.939G>A (p.Ala313=)

Gene: CDC42BPB (CDC42 binding protein kinase beta; minus strand). Cytogenetic location: 14q32.32.
Variant type: single nucleotide variant.
Coding change: c.939G>A on transcript NM_006035.4 (MANE Select); coding-DNA position 939, G replaced by A.
Protein change: p.Ala313=; no amino-acid change (alanine 313 retained).
Molecular consequence: synonymous variant.
Genome position (GRCh38, 1-based): chr14:102,980,974, C>T on the plus strand (G>A on the coding strand, the complement: CDC42BPB is on the minus strand). VCF-style: chr14-102980974-C-T. GRCh37 (hg19) VCF-style: chr14-103447311-C-T.
Other names: c.939G>A, p.Ala313= (NM_001411054.1).
Identifiers: ClinVar variation 3770431 (VCV003770431.14).

ClinVar aggregate classification (germline): Likely benign. Review status: criteria provided, multiple submitters, no conflicts (2 of 4 stars). 2 submissions from 2 submitters: Likely benign (2). Last evaluated 2026-09-01.

gnomAD v4.1: 3,487 of 1,614,156 alleles (0.22%); highest among the groups gnomAD compares: Non-Finnish European, 0.26%; 14 homozygotes.

Submissions (2):

CeGaT Center for Human Genetics Tuebingen
Classification: Likely benign. Last evaluated: 2026-09-01. Review status: criteria provided, single submitter. Criteria: CeGaT Center For Human Genetics Tuebingen Variant Classification Criteria Version 2. Collection method: clinical testing. Allele origin: germline. Affected: yes. Observed: 11 variant alleles.
Comment: CDC42BPB: BP4, BP7, BS2

Blueprint Genetics
Classification: Likely benign. Last evaluated: 2024-11-26. Review status: criteria provided, single submitter. Criteria: ACMG Guidelines, 2015. Collection method: clinical testing. Allele origin: germline.